The following is an entry in ClinVar:

NM_000071.3(CBS):c.1040-16G>A

Gene: CBS (cystathionine beta-synthase; minus strand). Cytogenetic location: 21q22.3.
Variant type: single nucleotide variant.
Coding change: c.1040-16G>A on transcript NM_000071.3 (MANE Select); 16 bases into the intron before coding-DNA position 1040, G replaced by A.
Molecular consequence: intron variant.
Genome position (GRCh38, 1-based): chr21:43,060,562, C>T on the plus strand (G>A on the coding strand, the complement: CBS is on the minus strand). VCF-style: chr21-43060562-C-T. GRCh37 (hg19) VCF-style: chr21-44480672-C-T.
Other names: c.1040-16G>A (NM_001320298.2, NM_001178009.3, NM_001178008.3); c.725-16G>A (NM_001321072.1).
Identifiers: ClinVar variation 506409 (VCV000506409.5), dbSNP rs755940179, ClinGen allele CA321689926.

ClinVar aggregate classification (germline): Likely benign. Review status: criteria provided, multiple submitters, no conflicts (2 of 4 stars). 3 submissions from 3 submitters: Likely benign (3). Last evaluated 2026-05-25.

Conditions:
HYPERHOMOCYSTEINEMIA, THROMBOTIC, CBS-RELATED. Identifiers: MedGen C3150344, OMIM 236200.

Allele frequency attached by ClinVar (database versions not stated): ExAC 0.00003; gnomAD 0.00003.

Submissions (3):

Women's Health and Genetics/Laboratory Corporation of America, LabCorp
Classification: Likely benign. Last evaluated: 2026-05-25. Review status: criteria provided, single submitter. Criteria: LabCorp Variant Classification Summary - May 2015. Collection method: clinical testing. Allele origin: germline.

Labcorp Genetics (formerly Invitae), Labcorp
Classification: Likely benign for HYPERHOMOCYSTEINEMIA, THROMBOTIC, CBS-RELATED. Last evaluated: 2026-01-28. Review status: criteria provided, single submitter. Criteria: Invitae Variant Classification Sherloc (09022015). Collection method: clinical testing. Allele origin: germline.

GeneDx
Classification: Likely benign. Last evaluated: 2018-02-06. Review status: criteria provided, single submitter. Criteria: GeneDx Variant Classification (06012015). Collection method: clinical testing. Allele origin: germline. Affected: yes.
Comment: This variant is considered likely benign or benign based on one or more of the following criteria: it is a conservative change, it occurs at a poorly conserved position in the protein, it is predicted to be benign by multiple in silico algorithms, and/or has population frequency not consistent with disease.